The following is an entry in ClinVar:

ClinVar aggregate classification (germline): Uncertain significance (1 of 4 stars; one submission).

Submission:

Ambry Genetics
Classification: Uncertain significance. Last evaluated: 2023-05-05. Review status: criteria provided, single submitter. Criteria: Ambry Variant Classification Scheme 2023. Collection method: clinical testing. Allele origin: germline.
Comment: The p.K235E variant (also known as c.703A>G), located in coding exon 1 of the PALLD gene, results from an A to G substitution at nucleotide position 703. The lysine at codon 235 is replaced by glutamic acid, an amino acid with similar properties. This amino acid position is conserved. In addition, this alteration is predicted to be tolerated by in silico analysis. Since supporting evidence is limited at this time, the clinical significance of this alteration remains unclear.

NM_001166108.2(PALLD):c.703A>G (p.Lys235Glu)

Gene: PALLD (palladin, cytoskeletal associated protein; plus strand). Cytogenetic location: 4q32.3.
Variant type: single nucleotide variant.
Coding change: c.703A>G on transcript NM_001166108.2 (MANE Select); coding-DNA position 703, A replaced by G.
Protein change: p.Lys235Glu; replaces lysine 235 with glutamic acid.
Molecular consequence: missense variant.
Genome position (GRCh38, 1-based): chr4:168,512,207, A>G. VCF-style: chr4-168512207-A-G. GRCh37 (hg19) VCF-style: chr4-169433358-A-G.
Other names: c.703A>G, p.Lys235Glu (NM_016081.4); short protein forms K235E.
Identifiers: ClinVar variation 2563409 (VCV002563409.2), dbSNP rs1762586319, ClinGen allele CA358727992.
Genomic context (GRCh38, chr4:168,512,207, plus strand): 5'-CTGAGTGCCTCAGCCAGCCAGAGCCCTATGGAAGACCAAGGGGAGATGGAAAGAGAGGTC[A>G]AGTCCCCTGGGGCCAGGCATTGCTACCAGGACAACCAGGACTTGGCAGTGCCACACAACC-3'
Protein context (NP_001159580.1, residues 225-245): EDQGEMEREV[Lys235Glu]SPGARHCYQD